The following is an entry in ClinVar:

NM_013432.5(TONSL):c.1A>C (p.Met1Leu)

Genes: TONSL (tonsoku like, DNA repair protein; minus strand), LOC130001399 (ATAC-STARR-seq lymphoblastoid silent region 19685; plus strand). Cytogenetic location: 8q24.3.
Variant type: single nucleotide variant.
Coding change: c.1A>C on transcript NM_013432.5 (MANE Select); coding-DNA position 1, A replaced by C.
Protein change: p.Met1Leu; changes the start codon (methionine 1).
Molecular consequence: missense variant, initiator codon variant.
Genome position (GRCh38, 1-based): chr8:144,444,414, T>G on the plus strand (A>C on the coding strand, the complement: TONSL is on the minus strand). VCF-style: chr8-144444414-T-G. GRCh37 (hg19) VCF-style: chr8-145669797-T-G.
Other names: short protein forms M1L.
Identifiers: ClinVar variation 2815286 (VCV002815286.3), dbSNP rs1823831908, ClinGen allele CA372680217.

ClinVar aggregate classification (germline): Uncertain significance (1 of 4 stars; one submission).

Submission:

Labcorp Genetics (formerly Invitae), Labcorp
Classification: Uncertain significance. Last evaluated: 2024-07-10. Review status: criteria provided, single submitter. Criteria: Invitae Variant Classification Sherloc (09022015). Collection method: clinical testing. Allele origin: germline.
Comment: This sequence change affects the initiator methionine of the TONSL mRNA. The next in-frame methionine is located at codon 80. This variant is not present in population databases (gnomAD no frequency). This variant has not been reported in the literature in individuals affected with TONSL-related conditions. Experimental studies and prediction algorithms are not available or were not evaluated, and the functional significance of this variant is currently unknown. This variant disrupts a region of the TONSL protein in which other variant(s) (p.Arg42His) have been observed in individuals with TONSL-related conditions (PMID: 30773278). This suggests that this is a clinically significant region of the protein, and that variants that disrupt it are likely to be disease-causing. In summary, the available evidence is currently insufficient to determine the role of this variant in disease. Therefore, it has been classified as a Variant of Uncertain Significance.

Literature cited by the submitters: PubMed 30773278.